The following is an entry in ClinVar:

NM_000264.5(PTCH1):c.1296A>T (p.Lys432Asn)

Gene: PTCH1 (patched 1; minus strand). Cytogenetic location: 9q22.32.
Variant type: single nucleotide variant.
Coding change: c.1296A>T on transcript NM_000264.5 (MANE Select); coding-DNA position 1296, A replaced by T.
Protein change: p.Lys432Asn; replaces lysine 432 with asparagine.
Molecular consequence: missense variant. On other transcripts: non-coding transcript variant (1).
Genome position (GRCh38, 1-based): chr9:95,478,106, T>A on the plus strand (A>T on the coding strand, the complement: PTCH1 is on the minus strand). VCF-style: chr9-95478106-T-A. GRCh37 (hg19) VCF-style: chr9-98240388-T-A.
Other names: c.1098A>T, p.Lys366Asn (NM_001083602.3); c.1293A>T, p.Lys431Asn (NM_001083603.3); c.843A>T, p.Lys281Asn (NM_001083604.3, NM_001083605.3, NM_001083606.3 and 1 more transcripts); c.1296A>T, p.Lys432Asn (NM_001354918.2); short protein forms K432N, K366N, K281N, K431N.
Identifiers: ClinVar variation 581227 (VCV000581227.11), dbSNP rs1564051490, ClinGen allele CA374118803.

ClinVar aggregate classification (germline): Uncertain significance. Review status: criteria provided, multiple submitters, no conflicts (2 of 4 stars). 3 submissions from 3 submitters: Uncertain significance (3). Last evaluated 2025-04-03.

Conditions:
Hereditary cancer-predisposing syndrome. Also called: Hereditary neoplastic syndrome; Tumor predisposition; Hereditary Cancer Syndrome; Neoplastic Syndromes, Hereditary. Identifiers: Orphanet 140162, MedGen C0027672, MeSH D009386, MONDO:0015356.
Gorlin syndrome. Also called: Basal cell nevus syndrome; Nevoid Basal Cell Carcinoma Syndrome. Identifiers: Orphanet 377, MedGen C0004779, MONDO:0007187.

Allele frequency attached by ClinVar (database versions not stated): gnomAD exomes below 0.00001.
gnomAD v4.1: 2 of 1,614,122 alleles (0.00012%); highest among the groups gnomAD compares: Non-Finnish European, 0.00017%; no homozygotes.

Submissions (3):

Labcorp Genetics (formerly Invitae), Labcorp
Classification: Uncertain significance for Gorlin syndrome. Last evaluated: 2025-04-03. Review status: criteria provided, single submitter. Criteria: Invitae Variant Classification Sherloc (09022015). Collection method: clinical testing. Allele origin: germline.
Comment: This sequence change replaces lysine, which is basic and polar, with asparagine, which is neutral and polar, at codon 432 of the PTCH1 protein (p.Lys432Asn). This variant is not present in population databases (gnomAD no frequency). This variant has not been reported in the literature in individuals affected with PTCH1-related conditions. ClinVar contains an entry for this variant (Variation ID: 581227). Invitae Evidence Modeling of protein sequence and biophysical properties (such as structural, functional, and spatial information, amino acid conservation, physicochemical variation, residue mobility, and thermodynamic stability) has been performed for this missense variant. However, the output from this modeling did not meet the statistical confidence thresholds required to predict the impact of this variant on PTCH1 protein function. In summary, the available evidence is currently insufficient to determine the role of this variant in disease. Therefore, it has been classified as a Variant of Uncertain Significance.

GeneDx
Classification: Uncertain significance. Last evaluated: 2025-03-07. Review status: criteria provided, single submitter. Criteria: GeneDx Variant Classification Process June 2021. Collection method: clinical testing. Allele origin: germline. Affected: yes.
Comment: Not observed at significant frequency in large population cohorts (gnomAD); In silico analysis indicates that this missense variant does not alter protein structure/function; Has not been previously published as pathogenic or benign to our knowledge; This variant is associated with the following publications: (PMID: 8906794)

Ambry Genetics
Classification: Uncertain significance for Hereditary cancer-predisposing syndrome. Last evaluated: 2023-11-08. Review status: criteria provided, single submitter. Criteria: Ambry Variant Classification Scheme 2023. Collection method: clinical testing. Allele origin: germline.
Comment: The p.K432N variant (also known as c.1296A>T), located in coding exon 9 of the PTCH1 gene, results from an A to T substitution at nucleotide position 1296. The lysine at codon 432 is replaced by asparagine, an amino acid with similar properties. This amino acid position is conserved. In addition, the in silico prediction for this alteration is inconclusive. Since supporting evidence is limited at this time, the clinical significance of this alteration remains unclear.